The following is an entry in ClinVar:

NM_005993.5(TBCD):c.958C>T (p.Arg320Cys)

Gene: TBCD (tubulin folding cofactor D). Cytogenetic location: 17q25.3.
Variant type: single nucleotide variant.
Coding change: c.958C>T on transcript NM_005993.5 (MANE Select); coding-DNA position 958, C replaced by T.
Protein change: p.Arg320Cys; replaces arginine 320 with cysteine.
Molecular consequence: missense variant.
Genome position (GRCh38, 1-based): chr17:82,805,882, C>T. VCF-style: chr17-82805882-C-T. GRCh37 (hg19) VCF-style: chr17-80763758-C-T.
Other names: c.958C>T (NM_005993.4); c.907C>T, p.Arg303Cys (NM_001411101.1); c.958C>T, p.Arg320Cys (NM_001411102.1); short protein forms R320C, R303C.
Identifiers: ClinVar variation 2161408 (VCV002161408.4), dbSNP rs771304008, ClinGen allele CA8861832.
Genomic context (GRCh38, chr17:82,805,882, plus strand): 5'-ATCAGGATGCTGTGAGCTACAAAGCTGATCTGAGGATGCTTTGCTTTGCACAGGTACCAG[C>T]GTGGCTGCCGATCTTTGGCTGCAAATCTGCAGCTCCTCACTCAGGGTCAGAGTGAGCAGA-3'
Protein context (NP_005984.3, residues 310-330): KPKVAAWRYQ[Arg320Cys]GCRSLAANLQ

ClinVar aggregate classification (germline): Uncertain significance. Review status: criteria provided, multiple submitters, no conflicts (2 of 4 stars). 2 submissions from 2 submitters: Uncertain significance (2). Last evaluated 2025-12-05.

Conditions:
Inborn genetic diseases. Identifiers: MedGen C0950123, MeSH D030342.

Allele frequency attached by ClinVar (database versions not stated): gnomAD 0.00001.
gnomAD v4.1: 18 of 1,608,406 alleles (0.0011%); highest among the groups gnomAD compares: South Asian, 0.0044%; 1 homozygote.

Submissions (2):

Ambry Genetics
Classification: Uncertain significance for Inborn genetic diseases. Last evaluated: 2025-12-05. Review status: criteria provided, single submitter. Criteria: Ambry Variant Classification Scheme 2023. Collection method: clinical testing. Allele origin: germline.

Labcorp Genetics (formerly Invitae), Labcorp
Classification: Uncertain significance. Last evaluated: 2025-08-18. Review status: criteria provided, single submitter. Criteria: Invitae Variant Classification Sherloc (09022015). Collection method: clinical testing. Allele origin: germline.
Comment: This sequence change replaces arginine, which is basic and polar, with cysteine, which is neutral and slightly polar, at codon 320 of the TBCD protein (p.Arg320Cys). The frequency data for this variant in the population databases is considered unreliable, as metrics indicate poor data quality at this position in the gnomAD database. This variant has not been reported in the literature in individuals affected with TBCD-related conditions. ClinVar contains an entry for this variant (Variation ID: 2161408). Invitae Evidence Modeling of protein sequence and biophysical properties (such as structural, functional, and spatial information, amino acid conservation, physicochemical variation, residue mobility, and thermodynamic stability) indicates that this missense variant is expected to disrupt TBCD protein function with a positive predictive value of 80%. In summary, the available evidence is currently insufficient to determine the role of this variant in disease. Therefore, it has been classified as a Variant of Uncertain Significance.